The following is an entry in ClinVar:

ClinVar aggregate classification (germline): Uncertain significance (1 of 4 stars; one submission).

Allele frequency attached by ClinVar (database versions not stated): gnomAD exomes below 0.00001; ExAC 0.00004.

Submission:

Labcorp Genetics (formerly Invitae), Labcorp
Classification: Uncertain significance. Last evaluated: 2022-08-30. Review status: criteria provided, single submitter. Criteria: Invitae Variant Classification Sherloc (09022015). Collection method: clinical testing. Allele origin: germline.
Comment: This sequence change replaces proline, which is neutral and non-polar, with alanine, which is neutral and non-polar, at codon 529 of the PLXNA3 protein (p.Pro529Ala). In summary, the available evidence is currently insufficient to determine the role of this variant in disease. Therefore, it has been classified as a Variant of Uncertain Significance. Algorithms developed to predict the effect of missense changes on protein structure and function are either unavailable or do not agree on the potential impact of this missense change (SIFT: "Tolerated"; PolyPhen-2: "Possibly Damaging"; Align-GVGD: "Class C0"). This variant has not been reported in the literature in individuals affected with PLXNA3-related conditions. This variant is present in population databases (rs782028967, gnomAD 0.002%).

NM_017514.5(PLXNA3):c.1585C>G (p.Pro529Ala)

Gene: PLXNA3 (plexin A3; plus strand). Cytogenetic location: Xq28.
Variant type: single nucleotide variant.
Coding change: c.1585C>G on transcript NM_017514.5 (MANE Select); coding-DNA position 1585, C replaced by G.
Protein change: p.Pro529Ala; replaces proline 529 with alanine.
Molecular consequence: missense variant.
Genome position (GRCh38, 1-based): chrX:154,463,988, C>G. VCF-style: chrX-154463988-C-G. GRCh37 (hg19) VCF-style: chrX-153692331-C-G.
Other names: short protein forms P529A.
Identifiers: ClinVar variation 2050006 (VCV002050006.4), dbSNP rs782028967, ClinGen allele CA10564101.